The following is an entry in ClinVar:

ClinVar aggregate classification (germline): Benign. Review status: criteria provided, multiple submitters, no conflicts (2 of 4 stars). 2 submissions from 2 submitters: Benign (2). Last evaluated 2018-06-14.

Allele frequency attached by ClinVar (database versions not stated): 1000 Genomes Project 0.27216; 1000 Genomes Project 30x 0.27686; gnomAD exomes 0.34077; gnomAD 0.35830 and 0.36538; TOPMed 0.35880.
gnomAD v4.1: 191,512 of 553,360 alleles (35%); highest among the groups gnomAD compares: African/African-American, 41%; 35,391 homozygotes.

Submissions (2):

GeneDx
Classification: Benign. Last evaluated: 2018-06-14. Review status: criteria provided, single submitter. Criteria: GeneDx Variant Classification (06012015). Collection method: clinical testing. Allele origin: germline. Affected: yes.
Comment: This variant is considered likely benign or benign based on one or more of the following criteria: it is a conservative change, it occurs at a poorly conserved position in the protein, it is predicted to be benign by multiple in silico algorithms, and/or has population frequency not consistent with disease.

Breakthrough Genomics
Classification: Benign. Review status: criteria provided, single submitter. Criteria: ACMG Guidelines, 2015. Collection method: not provided. Allele origin: germline. Inheritance: Autosomal recessive inheritance. Affected: yes.

NM_024809.5(TCTN2):c.1312+167T>C

Gene: TCTN2 (tectonic family member 2; plus strand). Cytogenetic location: 12q24.31.
Variant type: single nucleotide variant.
Coding change: c.1312+167T>C on transcript NM_024809.5 (MANE Select); 167 bases into the intron after coding-DNA position 1312, T replaced by C.
Molecular consequence: intron variant.
Genome position (GRCh38, 1-based): chr12:123,695,464, T>C. VCF-style: chr12-123695464-T-C. GRCh37 (hg19) VCF-style: chr12-124180011-T-C.
Other names: c.1309+167T>C (NM_001143850.3).
Identifiers: ClinVar variation 672253 (VCV000672253.2), dbSNP rs11834492, ClinGen allele CA13677941.